The following is an entry in ClinVar:

NM_015386.3(COG4):c.60G>C (p.Pro20=)

Gene: COG4 (component of oligomeric golgi complex 4; minus strand). Cytogenetic location: 16q22.1.
Variant type: single nucleotide variant.
Coding change: c.60G>C on transcript NM_015386.3 (MANE Select); coding-DNA position 60, G replaced by C.
Protein change: p.Pro20=; no amino-acid change (proline 20 retained).
Molecular consequence: synonymous variant. On other transcripts: 5 prime UTR variant (1), non-coding transcript variant (1).
Genome position (GRCh38, 1-based): chr16:70,523,484, C>G on the plus strand (G>C on the coding strand, the complement: COG4 is on the minus strand). VCF-style: chr16-70523484-C-G. GRCh37 (hg19) VCF-style: chr16-70557387-C-G.
Other names: c.48G>C, p.Pro16= (NM_001195139.2); c.-540G>C (NM_001365426.1).
Identifiers: ClinVar variation 3033601 (VCV003033601.2), dbSNP rs758364837, ClinGen allele CA8144842.

ClinVar aggregate classification (germline): Likely benign (0 of 4 stars; one submission).

Conditions:
COG4-related disorder. Also called: COG4-related condition.

Allele frequency attached by ClinVar (database versions not stated): gnomAD 0.00002; TOPMed 0.00001; ExAC 0.00002.
gnomAD v4.1: 3 of 1,614,022 alleles (0.00019%); highest among the groups gnomAD compares: African/African-American, 0.004%; no homozygotes.

Submission:

PreventionGenetics, part of Exact Sciences
Classification: Likely benign for COG4-related condition. Last evaluated: 2021-05-20. Review status: no assertion criteria provided. Collection method: clinical testing. Allele origin: germline.
Comment: This variant is classified as likely benign based on ACMG/AMP sequence variant interpretation guidelines (Richards et al. 2015 PMID: 25741868, with internal and published modifications).